The following is an entry in ClinVar:

ClinVar aggregate classification (germline): Pathogenic. Review status: reviewed by expert panel (3 of 4 stars). 5 submissions from 5 submitters: Pathogenic (1). 4 of the submissions do not count toward it. Last evaluated 2016-10-18.

Conditions:
Hereditary breast ovarian cancer syndrome. Also called: Breast and ovarian cancer; Hereditary breast and ovarian cancer; Hereditary breast and ovarian cancer syndrome; Hereditary breast and/or ovarian cancer syndrome; BRCA1- and BRCA2-Associated Hereditary Breast and Ovarian Cancer; Hereditary breast and ovarian cancer syndrome (HBOC). Identifiers: Orphanet 145, MedGen C0677776, MeSH D061325, MONDO:0003582. Disease mechanism: loss of function.
Breast-ovarian cancer, familial, susceptibility to, 1 (BROVCA1). Also called: BRCA1 Hereditary Breast and Ovarian Cancer; OVARIAN CANCER, SUSCEPTIBILITY TO. Identifiers: Orphanet 145, MedGen C2676676, MONDO:0011450, OMIM 604370. Disease mechanism: loss of function.
Hereditary cancer-predisposing syndrome. Also called: Tumor predisposition; Hereditary Cancer Syndrome; Neoplastic Syndromes, Hereditary; Hereditary neoplastic syndrome. Identifiers: Orphanet 140162, MedGen C0027672, MeSH D009386, MONDO:0015356.

Submissions (5):

Evidence-based Network for the Interpretation of Germline Mutant Alleles (ENIGMA)
Classification: Pathogenic for Breast-ovarian cancer, familial, susceptibility to, 1. Last evaluated: 2016-10-18. Review status: reviewed by expert panel. Criteria: ENIGMA BRCA1/2 Classification Criteria (2015). Collection method: curation. Allele origin: germline.
Comment: Variant allele predicted to encode a truncated non-functional protein.

Labcorp Genetics (formerly Invitae), Labcorp
Classification: Pathogenic for Hereditary breast ovarian cancer syndrome. Last evaluated: 2023-12-21. Review status: criteria provided, single submitter. Criteria: Invitae Variant Classification Sherloc (09022015). Collection method: clinical testing. Allele origin: germline. Not counted in ClinVar's aggregate classification.
Comment: This sequence change creates a premature translational stop signal (p.Thr796*) in the BRCA1 gene. It is expected to result in an absent or disrupted protein product. Loss-of-function variants in BRCA1 are known to be pathogenic (PMID: 20104584). Information on the frequency of this variant in the gnomAD database is not available, as this variant may be reported differently in the database. This premature translational stop signal has been observed in individual(s) with ovarian cancer (PMID: 28888541). For these reasons, this variant has been classified as Pathogenic.

Quest Diagnostics Nichols Institute San Juan Capistrano
Classification: Pathogenic. Last evaluated: 2019-01-04. Review status: criteria provided, single submitter. Criteria: Quest Diagnostics criteria. Collection method: clinical testing. Allele origin: germline. Not counted in ClinVar's aggregate classification.
Comment: The variant creates a premature nonsense codon, and is therefore predicted to result in the loss of a functional protein. Found in at least one symptomatic patient, and not found in general population data.

Consortium of Investigators of Modifiers of BRCA1/2 (CIMBA), c/o University of Cambridge
Classification: Pathogenic for Breast-ovarian cancer, familial, susceptibility to, 1. Last evaluated: 2015-10-02. Review status: criteria provided, single submitter. Criteria: CIMBA Mutation Classification guidelines May 2016. Collection method: clinical testing. Allele origin: germline. Not counted in ClinVar's aggregate classification.

Ambry Genetics
Classification: Pathogenic for Hereditary cancer-predisposing syndrome. Last evaluated: 2015-07-30. Review status: criteria provided, single submitter. Criteria: Ambry Variant Classification Scheme 2023. Collection method: clinical testing. Allele origin: germline. Not counted in ClinVar's aggregate classification.
Comment: The c.2386_2387delACinsT pathogenic mutation (also known as c.2386delACinsT or 2505delACinsT), located in coding exon 9 of the BRCA1 gene, results from the deletion of two nucleotides and insertion of one nucleotide causing a translational frameshift with a predicted alternate stop codon. Since frameshifts are typically deleterious in nature, this alteration is interpreted as a disease-causing mutation (ACMG Recommendations for Standards for Interpretation and Reporting of Sequence Variations. Revision 2007. Genet Med. 2008;10:294).

Literature cited by the submitters: PubMed 20104584 (cited by Labcorp Genetics (formerly Invitae), Labcorp); PubMed 28888541 (cited by Labcorp Genetics (formerly Invitae), Labcorp).

NM_007294.4(BRCA1):c.2386_2387delinsT (p.Lys795_Thr796insTer)

Gene: BRCA1 (BRCA1 DNA repair associated; minus strand). Cytogenetic location: 17q21.31.
Variant type: Indel.
Coding change: c.2386_2387delinsT on transcript NM_007294.4 (MANE Select); coding-DNA positions 2386 to 2387, AC replaced by T.
Protein change: p.Lys795_Thr796insTer.
Molecular consequence: nonsense. On other transcripts: intron variant (137).
Genome position (GRCh38, 1-based): chr17:43,093,144-43,093,145, GT replaced by A on the plus strand (AC replaced by T on the coding strand, the reverse complement: BRCA1 is on the minus strand). VCF-style: chr17-43093144-GT-A. GRCh37 (hg19) VCF-style: chr17-41245161-GT-A.
Other names: 2505delACinsT; c.787+1599_787+1600delinsT (NM_001407974.1, NM_001407973.1, NM_001408403.1 and 17 more transcripts); c.788-1006_788-1005delinsT (NM_001407969.1, NM_001407968.1); c.577+1599_577+1600delinsT (NM_001408492.1, NM_001408513.1, NM_001408489.1 and 9 more transcripts); c.643+1599_643+1600delinsT (NM_001408468.1, NM_001408465.1, NM_001408463.1 and 3 more transcripts); c.523+1599_523+1600delinsT (NM_001408501.1, NM_001408500.1, NM_001408497.1 and 3 more transcripts); c.646+1599_646+1600delinsT (NM_001408455.1, NM_001408466.1, NM_001408452.1 and 11 more transcripts); c.520+1599_520+1600delinsT (NM_001408503.1, NM_001408505.1, NM_001408504.1); and 42 more.
Identifiers: ClinVar variation 233279 (VCV000233279.15), dbSNP rs876660305, ClinGen allele CA10580619.